The following is an entry in ClinVar:

NM_170707.4(LMNA):c.1580G>T (p.Arg527Leu)

Gene: LMNA (lamin A/C; plus strand). Cytogenetic location: 1q22.
Variant type: single nucleotide variant.
Coding change: c.1580G>T on transcript NM_170707.4 (MANE Select); coding-DNA position 1580, G replaced by T.
Protein change: p.Arg527Leu; replaces arginine 527 with leucine.
Molecular consequence: missense variant.
Genome position (GRCh38, 1-based): chr1:156,137,204, G>T. VCF-style: chr1-156137204-G-T. GRCh37 (hg19) VCF-style: chr1-156106995-G-T.
Other names: c.1244G>T, p.Arg415Leu (NM_001257374.3); c.1337G>T, p.Arg446Leu (NM_001282624.2); c.1580G>T, p.Arg527Leu (NM_001282625.2, NM_001282626.2, NM_005572.4 and 1 more transcripts); short protein forms R415L, R446L, R527L.
Identifiers: ClinVar variation 919926 (VCV000919926.11), dbSNP rs57520892, ClinGen allele CA342823487.

ClinVar aggregate classification (germline): Conflicting classifications of pathogenicity. Review status: criteria provided, conflicting classifications (1 of 4 stars). 4 submissions from 4 submitters: Pathogenic (2); Uncertain significance (2). Last evaluated 2025-11-09.

Conditions:
LMNA-related disorder. Also called: LMNA-related condition; LMNA-related disease; LMNA-related disorders. Identifiers: MedGen CN380145.
Charcot-Marie-Tooth disease type 2. Also called: Charcot-Marie-Tooth type 2. Identifiers: Orphanet 64746, MedGen C0270914, MONDO:0018993.
Cardiomyopathy (CMYO). Also called: Cardiomyopathies. Identifiers: Orphanet 167848, MedGen C0878544, MONDO:0004994, HP:0001638. Inheritance: Various modes of inheritance.
Primary dilated cardiomyopathy (DCM). Also called: Dilated Cardiomyopathy. Identifiers: Orphanet 217604, MedGen C0007193, MeSH D002311, MONDO:0005021, HP:0001644. Inheritance: Various modes of inheritance.

gnomAD v4.1: 1 of 1,598,396 alleles (0.000063%); highest among the groups gnomAD compares: Non-Finnish European, 0.000085%; no homozygotes.

Submissions (4):

Labcorp Genetics (formerly Invitae), Labcorp
Classification: Pathogenic for Charcot-Marie-Tooth disease type 2. Last evaluated: 2025-11-09. Review status: criteria provided, single submitter. Criteria: Invitae Variant Classification Sherloc (09022015). Collection method: clinical testing. Allele origin: germline.
Comment: This sequence change replaces arginine, which is basic and polar, with leucine, which is neutral and non-polar, at codon 527 of the LMNA protein (p.Arg527Leu). This variant is not present in population databases (gnomAD no frequency). This missense change has been observed in individuals with autosomal recessive mandibuloacral dysplasia type A and progeria (PMID: 22549407). It has also been observed to segregate with disease in related individuals. ClinVar contains an entry for this variant (Variation ID: 919926). Invitae Evidence Modeling of protein sequence and biophysical properties (such as structural, functional, and spatial information, amino acid conservation, physicochemical variation, residue mobility, and thermodynamic stability) indicates that this missense variant is expected to disrupt LMNA protein function with a positive predictive value of 95%. This variant disrupts the p.Arg527 amino acid residue in LMNA. Other variant(s) that disrupt this residue have been determined to be pathogenic (PMID: 18796515, 19432833, 23497705, 25286833, 25982065). This suggests that this residue is clinically significant, and that variants that disrupt this residue are likely to be disease-causing. For these reasons, this variant has been classified as Pathogenic.

All of Us Research Program, National Institutes of Health
Classification: Uncertain significance for Primary dilated cardiomyopathy. Last evaluated: 2024-05-14. Review status: criteria provided, single submitter. Criteria: ACMG Guidelines, 2015. Collection method: clinical testing. Allele origin: germline. Inheritance: Autosomal dominant inheritance. Observed: 1 variant allele, 1 heterozygote.
Comment: This missense variant replaces arginine with leucine at codon 527 of the LMNA protein. Computational prediction tools indicate that this variant has a deleterious impact on protein structure and function. To our knowledge, functional studies have not been reported for this variant. This variant has not been reported in individuals affected with dilated cardiomyopathy. This variant has been reported in homozygosity in three individuals (aged 4-10) from two Egyptian families affected with mandibuloacral dysplasia (PMID: 22549407). In both families, the unaffected parents were heterozygous carriers. An ultrastructural study of the skin in one parent has shown that some fibroblasts showed irregularities and invaginations of the nuclear membrane and were surrounded by the disrupted bundles of collagen fibers (PMID: 23775434). However, clinical relevance of this observation is not known. This variant has also been reported in homozygosity in two unrelated individuals (aged 2-5) from two Egyptian families affected with a laminopathy with progeroid features phenotype (PMID: 34680903). In both families, the unaffected parents were heterozygous carriers. This variant has not been identified in the general population by the Genome Aggregation Database (gnomAD). Based on the available evidence, this variant is classified as a Variant of Uncertain Significance for autosomal dominant cardiomyopathy, although it is known to be associated with autosomal recessive mandibuloacral dysplasia and laminopathy (ClinVar variation ID: 919926).

This study involves interpretation of variants in research participants for the purpose of population health screening. Participant phenotype was not available at the time of variant classification. Additional details can be found in publication PMID: 35346344, PMCID: PMC8962531

Color Diagnostics, LLC DBA Color Health
Classification: Uncertain significance for Cardiomyopathy. Last evaluated: 2024-04-18. Review status: criteria provided, single submitter. Criteria: ACMG Guidelines, 2015. Collection method: clinical testing. Allele origin: germline.
Comment: This missense variant replaces arginine with leucine at codon 527 of the LMNA protein. Computational prediction tools indicate that this variant has a deleterious impact on protein structure and function. To our knowledge, functional studies have not been reported for this variant. This variant has not been reported in individuals affected with dilated cardiomyopathy. This variant has been reported in homozygosity in three individuals (aged 4-10) from two Egyptian families affected with mandibuloacral dysplasia (PMID: 22549407). In both families, the unaffected parents were heterozygous carriers. An ultrastructural study of the skin in one parent has shown that some fibroblasts showed irregularities and invaginations of the nuclear membrane and were surrounded by the disrupted bundles of collagen fibers (PMID: 23775434). However, clinical relevance of this observation is not known. This variant has also been reported in homozygosity in two unrelated individuals (aged 2-5) from two Egyptian families affected with a laminopathy with progeroid features phenotype (PMID: 34680903). In both families, the unaffected parents were heterozygous carriers. This variant has not been identified in the general population by the Genome Aggregation Database (gnomAD). Based on the available evidence, this variant is classified as a Variant of Uncertain Significance for autosomal dominant cardiomyopathy, although it is known to be associated with autosomal recessive mandibuloacral dysplasia and laminopathy (ClinVar variation ID: 919926).

Blueprint Genetics
Classification: Pathogenic for LMNA-related disorders. Last evaluated: 2020-05-30. Review status: criteria provided, single submitter. Criteria: ACMG Guidelines, 2015. Collection method: clinical testing. Allele origin: germline. Affected: yes. Observed: 2 variant alleles.

Literature cited by the submitters: PubMed 22549407 (cited by 3 submitters); PubMed 18796515 (cited by Labcorp Genetics (formerly Invitae), Labcorp); PubMed 19432833 (cited by Labcorp Genetics (formerly Invitae), Labcorp); PubMed 23497705 (cited by Labcorp Genetics (formerly Invitae), Labcorp); PubMed 25286833 (cited by Labcorp Genetics (formerly Invitae), Labcorp); PubMed 25982065 (cited by Labcorp Genetics (formerly Invitae), Labcorp); PubMed 23775434 (cited by All of Us Research Program, National Institutes of Health and Color Diagnostics, LLC DBA Color Health); PubMed 34680903 (cited by All of Us Research Program, National Institutes of Health and Color Diagnostics, LLC DBA Color Health).